The following is an entry in ClinVar:

NM_000489.6(ATRX):c.6563G>C (p.Arg2188Pro)

Gene: ATRX (ATRX chromatin remodeler; minus strand). Cytogenetic location: Xq21.1.
Variant type: single nucleotide variant.
Coding change: c.6563G>C on transcript NM_000489.6 (MANE Select); coding-DNA position 6563, G replaced by C.
Protein change: p.Arg2188Pro; replaces arginine 2188 with proline.
Molecular consequence: missense variant.
Genome position (GRCh38, 1-based): chrX:77,557,587, C>G on the plus strand (G>C on the coding strand, the complement: ATRX is on the minus strand). VCF-style: chrX-77557587-C-G. GRCh37 (hg19) VCF-style: chrX-76813058-C-G.
Other names: c.6449G>C, p.Arg2150Pro (NM_138270.5); short protein forms R2150P, R2188P.
Identifiers: ClinVar variation 4530212 (VCV004530212.1).

ClinVar aggregate classification (somatic clinical impact): Tier II - Potential (1 of 4 stars; one submission).

Conditions:
Diffuse midline glioma, H3 K27M-mutant. Identifiers: MedGen C4289688, MONDO:0957196.

Submission:

Institute for Genomic Medicine (IGM) Clinical Laboratory, Nationwide Children's Hospital
Classification: Tier II - Potential for Diffuse midline glioma, H3 K27M-mutant. Assertion type: diagnostic. Clinical significance: supports diagnosis. Last evaluated: 2023-03-14. Review status: criteria provided, single submitter. Criteria: AMP/ASCO/CAP Guidelines, 2017. Collection method: clinical testing. Allele origin: somatic. Affected: yes.
Comment: Variant has Tier II (potential) clinical significance as a diagnostic inclusion criterion in diffuse midline glioma, H3 K27M-mutant, based on the following evidence: 1) Documented in one or more cancer databases (e.g., St. Jude Pecan, COSMIC, CIViC, OncoKB). 2) Appears in one or more well-established professional guidelines (e.g., World Health Organization [WHO]; National Comprehensive Cancer Network [NCCN]) as providing diagnostic, prognostic, or therapeutic information. 3) Not observed at significant frequency within general population databases or cancer or tumor-specific databases. 4) Diagnostic significance based on multiple small studies (Evidence Level C; PMIDs: 24705251, 28966033, 22661320, 25230881, 26517431).

Literature cited by the submitters: PubMed 24705251; PubMed 28966033; PubMed 22661320; PubMed 25230881; PubMed 26517431.